The following is an entry in ClinVar:

NM_152383.5(DIS3L2):c.1740-10C>G

Gene: DIS3L2 (DIS3 like 3'-5' exoribonuclease 2; plus strand). Cytogenetic location: 2q37.1.
Variant type: single nucleotide variant.
Coding change: c.1740-10C>G on transcript NM_152383.5 (MANE Select); 10 bases into the intron before coding-DNA position 1740, C replaced by G.
Molecular consequence: intron variant.
Genome position (GRCh38, 1-based): chr2:232,329,803, C>G. VCF-style: chr2-232329803-C-G. GRCh37 (hg19) VCF-style: chr2-233194513-C-G.
Other names: c.1582-13542C>G (NM_001257281.2).
Identifiers: ClinVar variation 2120988 (VCV002120988.4), dbSNP rs1559216084, ClinGen allele CA2580066018.

ClinVar aggregate classification (germline): Uncertain significance (1 of 4 stars; one submission).

Conditions:
Perlman syndrome (PRLMNS). Identifiers: Orphanet 2849, MedGen C0796113, MONDO:0009965, OMIM 267000.

gnomAD v4.1: 1 of 1,406,098 alleles (0.000071%); highest among the groups gnomAD compares: African/African-American, 0.0015%; no homozygotes.

Submission:

Labcorp Genetics (formerly Invitae), Labcorp
Classification: Uncertain significance for Perlman syndrome. Last evaluated: 2022-04-03. Review status: criteria provided, single submitter. Criteria: Invitae Variant Classification Sherloc (09022015). Collection method: clinical testing. Allele origin: germline.
Comment: This variant is not present in population databases (gnomAD no frequency). This sequence change falls in intron 14 of the DIS3L2 gene. It does not directly change the encoded amino acid sequence of the DIS3L2 protein. This variant has not been reported in the literature in individuals affected with DIS3L2-related conditions. In summary, the available evidence is currently insufficient to determine the role of this variant in disease. Therefore, it has been classified as a Variant of Uncertain Significance. Algorithms developed to predict the effect of sequence changes on RNA splicing suggest that this variant may disrupt the consensus splice site.